The following is an entry in ClinVar:

ClinVar aggregate classification (germline): Uncertain significance (1 of 4 stars; one submission).

Conditions:
Tyrosinemia type I (TYRSN1). Also called: HEPATORENAL TYROSINEMIA; Tyrosinemia type 1; Fumarylacetoacetase deficiency; Deficiency of fumarylacetoacetase; FAH DEFICIENCY. Identifiers: Orphanet 882, MedGen C0268490, MONDO:0010161, OMIM 276700. Disease mechanism: loss of function.

Allele frequency attached by ClinVar (database versions not stated): gnomAD 0.00003; TOPMed 0.00005; ESP Exome Variant Server 0.00015.
gnomAD v4.1: 15 of 1,614,008 alleles (0.00093%); highest among the groups gnomAD compares: African/African-American, 0.008%; no homozygotes.

Submission:

Labcorp Genetics (formerly Invitae), Labcorp
Classification: Uncertain significance for Tyrosinemia type I. Last evaluated: 2022-02-19. Review status: criteria provided, single submitter. Criteria: Invitae Variant Classification Sherloc (09022015). Collection method: clinical testing. Allele origin: germline.
Comment: This sequence change replaces asparagine, which is neutral and polar, with serine, which is neutral and polar, at codon 276 of the FAH protein (p.Asn276Ser). This variant is present in population databases (rs148153674, gnomAD 0.007%). This variant has not been reported in the literature in individuals affected with FAH-related conditions. Advanced modeling of protein sequence and biophysical properties (such as structural, functional, and spatial information, amino acid conservation, physicochemical variation, residue mobility, and thermodynamic stability) performed at Invitae indicates that this missense variant is not expected to disrupt FAH protein function. Algorithms developed to predict the effect of sequence changes on RNA splicing suggest that this variant may create or strengthen a splice site. In summary, the available evidence is currently insufficient to determine the role of this variant in disease. Therefore, it has been classified as a Variant of Uncertain Significance.

NM_000137.4(FAH):c.827A>G (p.Asn276Ser)

Gene: FAH (fumarylacetoacetate hydrolase; plus strand). Cytogenetic location: 15q25.1.
Variant type: single nucleotide variant.
Coding change: c.827A>G on transcript NM_000137.4 (MANE Select); coding-DNA position 827, A replaced by G.
Protein change: p.Asn276Ser; replaces asparagine 276 with serine.
Molecular consequence: missense variant.
Genome position (GRCh38, 1-based): chr15:80,173,134, A>G. VCF-style: chr15-80173134-A-G. GRCh37 (hg19) VCF-style: chr15-80465476-A-G.
Other names: c.827A>G, p.Asn276Ser (NM_001374377.1, NM_001374380.1); short protein forms N276S.
Identifiers: ClinVar variation 2181019 (VCV002181019.1), dbSNP rs148153674, ClinGen allele CA7691344.
Genomic context (GRCh38, chr15:80,173,134, plus strand): 5'-GGACCACTGTCTCTCCGTGGGTGGTGCCCATGGATGCTCTCATGCCCTTTGCTGTGCCCA[A>G]CCCGAAGCAGGTAAGCACATTCTCTGCAGGAAGCTCCCAAACCCAGCCCTGCTGCCTCTG-3'
Protein context (NP_000128.1, residues 266-286): MDALMPFAVP[Asn276Ser]PKQDPRPLPY